The following is an entry in ClinVar:

NM_001378454.1(ALMS1):c.3752A>G (p.Gln1251Arg)

Gene: ALMS1 (ALMS1 centrosome and basal body associated protein; plus strand). Cytogenetic location: 2p13.1.
Variant type: single nucleotide variant.
Coding change: c.3752A>G on transcript NM_001378454.1 (MANE Select); coding-DNA position 3752, A replaced by G.
Protein change: p.Gln1251Arg; replaces glutamine 1251 with arginine.
Molecular consequence: missense variant.
Genome position (GRCh38, 1-based): chr2:73,450,279, A>G. VCF-style: chr2-73450279-A-G. GRCh37 (hg19) VCF-style: chr2-73677406-A-G.
Other names: c.3755A>G, p.Gln1252Arg (NM_015120.4); short protein forms Q1251R, Q1252R.
Identifiers: ClinVar variation 2102218 (VCV002102218.4), dbSNP rs1243847501, ClinGen allele CA347276517.

ClinVar aggregate classification (germline): Uncertain significance (1 of 4 stars; one submission).

Conditions:
Alstrom syndrome (ALMS). Identifiers: Orphanet 64, MedGen C0268425, MONDO:0008763, OMIM 203800.

Allele frequency attached by ClinVar (database versions not stated): gnomAD 0.00001.
gnomAD v4.1: 1 of 1,613,928 alleles (0.000062%); highest among the groups gnomAD compares: African/African-American, 0.0013%; no homozygotes.

Submission:

Labcorp Genetics (formerly Invitae), Labcorp
Classification: Uncertain significance for Alstrom syndrome. Last evaluated: 2022-02-22. Review status: criteria provided, single submitter. Criteria: Invitae Variant Classification Sherloc (09022015). Collection method: clinical testing. Allele origin: germline.
Comment: This sequence change replaces glutamine, which is neutral and polar, with arginine, which is basic and polar, at codon 1252 of the ALMS1 protein (p.Gln1252Arg). This variant is present in population databases (no rsID available, gnomAD 0.01%). This variant has not been reported in the literature in individuals affected with ALMS1-related conditions. Experimental studies and prediction algorithms are not available or were not evaluated, and the functional significance of this variant is currently unknown. In summary, the available evidence is currently insufficient to determine the role of this variant in disease. Therefore, it has been classified as a Variant of Uncertain Significance.